The following is an entry in ClinVar:

NM_000138.5(FBN1):c.992T>A (p.Val331Asp)

Genes: FBN1 (fibrillin 1; minus strand), LOC113939944 (Sharpr-MPRA regulatory region 9539; plus strand). Cytogenetic location: 15q21.1.
Variant type: single nucleotide variant.
Coding change: c.992T>A on transcript NM_000138.5 (MANE Select); coding-DNA position 992, T replaced by A.
Protein change: p.Val331Asp; replaces valine 331 with aspartic acid.
Molecular consequence: missense variant.
Genome position (GRCh38, 1-based): chr15:48,520,814, A>T on the plus strand (T>A on the coding strand, the complement: FBN1 is on the minus strand). VCF-style: chr15-48520814-A-T. GRCh37 (hg19) VCF-style: chr15-48813011-A-T.
Other names: c.992T>A, p.Val331Asp (NM_001406716.1); short protein forms V331D.
Identifiers: ClinVar variation 2952008 (VCV002952008.3), dbSNP rs1345539075, ClinGen allele CA392347929.

ClinVar aggregate classification (germline): Uncertain significance (1 of 4 stars; one submission).

Conditions:
Marfan syndrome (MFS). Also called: MARFAN SYNDROME, TYPE I; Marfan syndrome type 1; Marfan's syndrome; Marfan syndrome, classic; FBN1-Related Marfan Syndrome. Identifiers: Orphanet 284963, Orphanet 558, MedGen C0024796, MONDO:0007947, OMIM 154700.
Familial thoracic aortic aneurysm and aortic dissection (TAAD). Also called: Thoracic aortic aneurysms and dissections. Identifiers: Orphanet 91387, MedGen C4707243, MONDO:0019625.

Submission:

Labcorp Genetics (formerly Invitae), Labcorp
Classification: Uncertain significance for Marfan syndrome; Familial thoracic aortic aneurysm and aortic dissection. Last evaluated: 2023-09-17. Review status: criteria provided, single submitter. Criteria: Invitae Variant Classification Sherloc (09022015). Collection method: clinical testing. Allele origin: germline.
Comment: In summary, the available evidence is currently insufficient to determine the role of this variant in disease. Therefore, it has been classified as a Variant of Uncertain Significance. Advanced modeling of protein sequence and biophysical properties (such as structural, functional, and spatial information, amino acid conservation, physicochemical variation, residue mobility, and thermodynamic stability) has been performed at Invitae for this missense variant, however the output from this modeling did not meet the statistical confidence thresholds required to predict the impact of this variant on FBN1 protein function. This variant has not been reported in the literature in individuals affected with FBN1-related conditions. This variant is not present in population databases (gnomAD no frequency). This sequence change replaces valine, which is neutral and non-polar, with aspartic acid, which is acidic and polar, at codon 331 of the FBN1 protein (p.Val331Asp).